The following is an entry in ClinVar:

NM_000541.5(SAG):c.341dup (p.Leu115fs)

Gene: SAG (S-antigen visual arrestin; plus strand). Cytogenetic location: 2q37.1.
Variant type: Duplication.
Coding change: c.341dup on transcript NM_000541.5 (MANE Select); coding-DNA position 341, one base duplicated (A; older notation c.341dupA).
Protein change: p.Leu115fs; shifts the reading frame from leucine 115.
Molecular consequence: frameshift variant.
Genome position (GRCh38, 1-based): chr2:233,320,789, A duplicated; the last of 5 consecutive A bases (chr2:233,320,785-233,320,789); duplicating any one gives the same sequence. VCF-style (leftmost placement, unchanged base first): chr2-233320784-T-TA. GRCh37 (hg19) VCF-style: chr2-234229430-T-TA.
Other names: short protein forms L115fs.
Identifiers: ClinVar variation 1940817 (VCV001940817.5), dbSNP rs1359089022, ClinGen allele CA540310889.

ClinVar aggregate classification (germline): Pathogenic (1 of 4 stars; one submission).

Submission:

Labcorp Genetics (formerly Invitae), Labcorp
Classification: Pathogenic. Last evaluated: 2022-03-13. Review status: criteria provided, single submitter. Criteria: Invitae Variant Classification Sherloc (09022015). Collection method: clinical testing. Allele origin: germline.
Comment: For these reasons, this variant has been classified as Pathogenic. This variant has not been reported in the literature in individuals affected with SAG-related conditions. This variant is present in population databases (no rsID available, gnomAD 0.01%). This sequence change creates a premature translational stop signal (p.Leu115Alafs*14) in the SAG gene. It is expected to result in an absent or disrupted protein product. Loss-of-function variants in SAG are known to be pathogenic (PMID: 9452120, 15234147, 22665972).

Literature cited by the submitters: PubMed 9452120; PubMed 15234147; PubMed 22665972.